The following is an entry in ClinVar:

ClinVar aggregate classification (germline): Uncertain significance (1 of 4 stars; one submission).

Conditions:
Hereditary cancer-predisposing syndrome. Also called: Hereditary neoplastic syndrome; Neoplastic Syndromes, Hereditary; Tumor predisposition; Hereditary Cancer Syndrome. Identifiers: Orphanet 140162, MedGen C0027672, MeSH D009386, MONDO:0015356.

Submission:

Ambry Genetics
Classification: Uncertain significance for Hereditary cancer-predisposing syndrome. Last evaluated: 2025-08-27. Review status: criteria provided, single submitter. Criteria: Ambry Variant Classification Scheme 2023. Collection method: clinical testing. Allele origin: germline.
Comment: The p.S538A variant (also known as c.1612T>G), located in coding exon 16 of the MUTYH gene, results from a T to G substitution at nucleotide position 1612. The serine at codon 538 is replaced by alanine, an amino acid with similar properties. This amino acid position is conserved. In addition, this alteration is predicted to be tolerated by in silico analysis. Based on the available evidence, the clinical significance of this variant remains unclear.

NM_001048174.2(MUTYH):c.1528T>G (p.Ser510Ala)

Gene: MUTYH (mutY DNA glycosylase; minus strand). Cytogenetic location: 1p34.1.
Variant type: single nucleotide variant.
Coding change: c.1528T>G on transcript NM_001048174.2 (MANE Select); coding-DNA position 1528, T replaced by G.
Protein change: p.Ser510Ala; replaces serine 510 with alanine.
Molecular consequence: missense variant. On other transcripts: non-coding transcript variant (7).
Genome position (GRCh38, 1-based): chr1:45,329,344, A>C on the plus strand (T>G on the coding strand, the complement: MUTYH is on the minus strand). VCF-style: chr1-45329344-A-C. GRCh37 (hg19) VCF-style: chr1-45795016-A-C.
Other names: c.1183T>G, p.Ser395Ala (NM_001350651.2, NM_001350650.2, NM_001407082.1); c.1561T>G, p.Ser521Ala (NM_001407069.1, NM_001407077.1, NM_001293191.2); c.1528T>G, p.Ser510Ala (NM_001407070.1, NM_001407072.1, NM_001407073.1 and 6 more transcripts); c.1531T>G, p.Ser511Ala (NM_001407071.1, NM_001407078.1, NM_001048172.2 and 1 more transcripts); c.1444T>G, p.Ser482Ala (NM_001407075.1); c.1489T>G, p.Ser497Ala (NM_001407079.1); c.1612T>G, p.Ser538Ala (NM_001128425.2); c.1573T>G, p.Ser525Ala (NM_001293190.2); and 5 more; short protein forms S511A, S525A, S535A, S538A, S482A, S496A, S510A, S521A.
Identifiers: ClinVar variation 4113442 (VCV004113442.1).